The following is an entry in ClinVar:

NM_005732.4(RAD50):c.3690G>C (p.Leu1230Phe)

Genes: TH2-LCR (Th2 cytokine locus control region; plus strand), RAD50 (RAD50 double strand break repair protein; plus strand), TH2LCRR (T helper type 2 locus control region associated RNA; minus strand). Cytogenetic location: 5q31.1.
Variant type: single nucleotide variant.
Coding change: c.3690G>C on transcript NM_005732.4 (MANE Select); coding-DNA position 3690, G replaced by C.
Protein change: p.Leu1230Phe; replaces leucine 1230 with phenylalanine.
Molecular consequence: missense variant.
Genome position (GRCh38, 1-based): chr5:132,640,743, G>C. VCF-style: chr5-132640743-G-C. GRCh37 (hg19) VCF-style: chr5-131976435-G-C.
Other names: short protein forms L1230F.
Identifiers: ClinVar variation 1040441 (VCV001040441.9), dbSNP rs1561660969, ClinGen allele CA360934376.
Genomic context (GRCh38, chr5:132,640,743, plus strand): 5'-ACTCATCATTCGCCTGGCCCTGGCTGAAACGTTCTGCCTCAACTGTGGCATCATTGCCTT[G>C]GATGAGCCAACAACAAATCTTGACCGAGAAAACATTGAATCTCTTGCACATGCTCTGGTT-3'
Protein context (NP_005723.2, residues 1220-1240): TFCLNCGIIA[Leu1230Phe]DEPTTNLDRE

ClinVar aggregate classification (germline): Uncertain significance (1 of 4 stars; one submission).

Conditions:
Hereditary cancer-predisposing syndrome. Also called: Hereditary Cancer Syndrome; Tumor predisposition; Hereditary neoplastic syndrome; Neoplastic Syndromes, Hereditary. Identifiers: Orphanet 140162, MedGen C0027672, MeSH D009386, MONDO:0015356.

gnomAD v4.1: 1 of 1,614,146 alleles (0.000062%); highest among the groups gnomAD compares: Non-Finnish European, 0.000085%; no homozygotes.

Submission:

Labcorp Genetics (formerly Invitae), Labcorp
Classification: Uncertain significance for Hereditary cancer-predisposing syndrome. Last evaluated: 2022-04-22. Review status: criteria provided, single submitter. Criteria: Invitae Variant Classification Sherloc (09022015). Collection method: clinical testing. Allele origin: germline.
Comment: In summary, the available evidence is currently insufficient to determine the role of this variant in disease. Therefore, it has been classified as a Variant of Uncertain Significance. Algorithms developed to predict the effect of missense changes on protein structure and function are either unavailable or do not agree on the potential impact of this missense change (SIFT: "Deleterious"; PolyPhen-2: "Probably Damaging"; Align-GVGD: "Class C0"). ClinVar contains an entry for this variant (Variation ID: 1040441). This variant has not been reported in the literature in individuals affected with RAD50-related conditions. This variant is not present in population databases (gnomAD no frequency). This sequence change replaces leucine, which is neutral and non-polar, with phenylalanine, which is neutral and non-polar, at codon 1230 of the RAD50 protein (p.Leu1230Phe).